The following is an entry in ClinVar:

NM_000051.4(ATM):c.8515T>A (p.Phe2839Ile)

Genes: ATM (ATM serine/threonine kinase; plus strand), C11orf65 (chromosome 11 open reading frame 65; minus strand). Cytogenetic location: 11q22.3.
Variant type: single nucleotide variant.
Coding change: c.8515T>A on transcript NM_000051.4 (MANE Select); coding-DNA position 8515, T replaced by A.
Protein change: p.Phe2839Ile; replaces phenylalanine 2839 with isoleucine.
Molecular consequence: missense variant. On other transcripts: intron variant (2).
Genome position (GRCh38, 1-based): chr11:108,345,839, T>A. VCF-style: chr11-108345839-T-A. GRCh37 (hg19) VCF-style: chr11-108216566-T-A.
Other names: c.8515T>A, p.Phe2839Ile (NM_001351834.2); c.641-36768A>T (NM_001330368.2); c.695-10547A>T (NM_001351110.2); short protein forms F2839I.
Identifiers: ClinVar variation 231098 (VCV000231098.17), dbSNP rs876658958, ClinGen allele CA10579302.

ClinVar aggregate classification (germline): Uncertain significance. Review status: criteria provided, multiple submitters, no conflicts (2 of 4 stars). 3 submissions from 3 submitters: Uncertain significance (3). Last evaluated 2026-03-30.

Conditions:
Hereditary cancer-predisposing syndrome. Also called: Neoplastic Syndromes, Hereditary; Hereditary neoplastic syndrome; Tumor predisposition; Hereditary Cancer Syndrome. Identifiers: Orphanet 140162, MedGen C0027672, MeSH D009386, MONDO:0015356.
Ataxia-telangiectasia syndrome (AT). Also called: Ataxia telangiectasia (A-T); Cerebello-oculocutaneous telangiectasia; Immunodeficiency with ataxia telangiectasia; LOUIS-BAR SYNDROME; AT, COMPLEMENTATION GROUP C; ATAXIA-TELANGIECTASIA, FRESNO VARIANT. Identifiers: Orphanet 100, MedGen C0004135, MONDO:0008840, OMIM 208900.

Submissions (3):

Women's Health and Genetics/Laboratory Corporation of America, LabCorp
Classification: Uncertain significance. Last evaluated: 2026-03-30. Review status: criteria provided, single submitter. Criteria: LabCorp Variant Classification Summary - May 2015. Collection method: clinical testing. Allele origin: germline.
Comment: Variant summary: ATM c.8515T>A (p.Phe2839Ile) results in a non-conservative amino acid change in the encoded protein sequence. Algorithms developed to predict the effect of missense changes on protein structure and function all suggest that this variant is likely to be disruptive. The variant was absent in 251246 control chromosomes. The available data on variant occurrences in the general population are insufficient to allow any conclusion about variant significance. To our knowledge, no occurrence of c.8515T>A in individuals affected with ATM-related conditions and no experimental evidence demonstrating its impact on protein function have been reported. ClinVar contains an entry for this variant (Variation ID: 231098). Based on the evidence outlined above, the variant was classified as uncertain significance.

Labcorp Genetics (formerly Invitae), Labcorp
Classification: Uncertain significance for Ataxia-telangiectasia syndrome. Last evaluated: 2026-01-08. Review status: criteria provided, single submitter. Criteria: Invitae Variant Classification Sherloc (09022015). Collection method: clinical testing. Allele origin: germline.
Comment: This sequence change replaces phenylalanine, which is neutral and non-polar, with isoleucine, which is neutral and non-polar, at codon 2839 of the ATM protein (p.Phe2839Ile). This variant is not present in population databases (gnomAD no frequency). This variant has not been reported in the literature in individuals affected with ATM-related conditions. ClinVar contains an entry for this variant (Variation ID: 231098). Invitae Evidence Modeling of protein sequence and biophysical properties (such as structural, functional, and spatial information, amino acid conservation, physicochemical variation, residue mobility, and thermodynamic stability) indicates that this missense variant is expected to disrupt ATM protein function with a positive predictive value of 95%. In summary, the available evidence is currently insufficient to determine the role of this variant in disease. Therefore, it has been classified as a Variant of Uncertain Significance.

Ambry Genetics
Classification: Uncertain significance for Hereditary cancer-predisposing syndrome. Last evaluated: 2025-11-13. Review status: criteria provided, single submitter. Criteria: Ambry Variant Classification Scheme 2023. Collection method: clinical testing. Allele origin: germline.
Comment: The p.F2839I variant (also known as c.8515T>A), located in coding exon 57 of the ATM gene, results from a T to A substitution at nucleotide position 8515. The phenylalanine at codon 2839 is replaced by isoleucine, an amino acid with highly similar properties. In an assay testing ATM function, this variant showed a functionally abnormal result (Lee KS et al. Cell, 2025 Sep;188:5081-5099.e27). This amino acid position is highly conserved in available vertebrate species. In addition, this alteration is predicted to be deleterious by in silico analysis. Based on the available evidence, the clinical significance of this variant remains unclear.

Literature cited by the submitters: PubMed 40580951 (cited by Ambry Genetics).